The following is an entry in ClinVar:

ClinVar aggregate classification (germline): Uncertain significance (1 of 4 stars; one submission).

Allele frequency attached by ClinVar (database versions not stated): gnomAD exomes below 0.00001; ExAC 0.00001.
gnomAD v4.1: 2 of 1,543,218 alleles (0.00013%); highest among the groups gnomAD compares: Non-Finnish European, 0.000087%; no homozygotes.

Submission:

Labcorp Genetics (formerly Invitae), Labcorp
Classification: Uncertain significance. Last evaluated: 2023-12-13. Review status: criteria provided, single submitter. Criteria: Invitae Variant Classification Sherloc (09022015). Collection method: clinical testing. Allele origin: germline.
Comment: This sequence change replaces glutamic acid, which is acidic and polar, with valine, which is neutral and non-polar, at codon 477 of the ERBIN protein (p.Glu477Val). This variant is present in population databases (rs770325297, gnomAD 0.001%). This variant has not been reported in the literature in individuals affected with ERBIN-related conditions. An algorithm developed to predict the effect of missense changes on protein structure and function (PolyPhen-2) suggests that this variant is likely to be disruptive. In summary, the available evidence is currently insufficient to determine the role of this variant in disease. Therefore, it has been classified as a Variant of Uncertain Significance.

NM_001253697.2(ERBIN):c.1430A>T (p.Glu477Val)

Gene: ERBIN (erbb2 interacting protein; plus strand). Cytogenetic location: 5q12.3.
Variant type: single nucleotide variant.
Coding change: c.1430A>T on transcript NM_001253697.2 (MANE Select); coding-DNA position 1430, A replaced by T.
Protein change: p.Glu477Val; replaces glutamic acid 477 with valine.
Molecular consequence: missense variant.
Genome position (GRCh38, 1-based): chr5:66,044,138, A>T. VCF-style: chr5-66044138-A-T. GRCh37 (hg19) VCF-style: chr5-65339966-A-T.
Other names: c.1430A>T, p.Glu477Val (NM_001006600.3, NM_001253698.2, NM_001253699.2 and 2 more transcripts); short protein forms E477V.
Identifiers: ClinVar variation 2702681 (VCV002702681.3), dbSNP rs770325297, ClinGen allele CA3286257.